The following is an entry in ClinVar:

ClinVar aggregate classification (germline): Uncertain significance. Review status: criteria provided, multiple submitters, no conflicts (2 of 4 stars). 3 submissions from 3 submitters: Uncertain significance (3). Last evaluated 2025-06-15.

Conditions:
Hereditary cancer-predisposing syndrome. Also called: Tumor predisposition; Neoplastic Syndromes, Hereditary; Hereditary Cancer Syndrome; Hereditary neoplastic syndrome. Identifiers: Orphanet 140162, MedGen C0027672, MeSH D009386, MONDO:0015356.
Tuberous sclerosis syndrome (TSC). Also called: Tuberous Sclerosis Complex; Tuberous sclerosis. Identifiers: Orphanet 805, MedGen C0041341, MONDO:0001734.
Tuberous sclerosis 2 (TSC2). Identifiers: Orphanet 805, MedGen C1860707, MONDO:0013199, OMIM 613254.

Submissions (3):

Labcorp Genetics (formerly Invitae), Labcorp
Classification: Uncertain significance for Tuberous sclerosis 2. Last evaluated: 2025-06-15. Review status: criteria provided, single submitter. Criteria: Invitae Variant Classification Sherloc (09022015). Collection method: clinical testing. Allele origin: germline.
Comment: This sequence change replaces leucine, which is neutral and non-polar, with phenylalanine, which is neutral and non-polar, at codon 303 of the TSC2 protein (p.Leu303Phe). This variant is not present in population databases (gnomAD no frequency). This variant has not been reported in the literature in individuals affected with TSC2-related conditions. ClinVar contains an entry for this variant (Variation ID: 406080). Invitae Evidence Modeling of protein sequence and biophysical properties (such as structural, functional, and spatial information, amino acid conservation, physicochemical variation, residue mobility, and thermodynamic stability) indicates that this missense variant is not expected to disrupt TSC2 protein function with a negative predictive value of 95%. In summary, the available evidence is currently insufficient to determine the role of this variant in disease. Therefore, it has been classified as a Variant of Uncertain Significance.

Ambry Genetics
Classification: Uncertain significance for Hereditary cancer-predisposing syndrome. Last evaluated: 2025-04-10. Review status: criteria provided, single submitter. Criteria: Ambry Variant Classification Scheme 2023. Collection method: clinical testing. Allele origin: germline.
Comment: The p.L303F variant (also known as c.907C>T), located in coding exon 9 of the TSC2 gene, results from a C to T substitution at nucleotide position 907. The leucine at codon 303 is replaced by phenylalanine, an amino acid with highly similar properties. This amino acid position is conserved. In addition, this alteration is predicted to be deleterious by in silico analysis. Since supporting evidence is limited at this time, the clinical significance of this alteration remains unclear.

All of Us Research Program, National Institutes of Health
Classification: Uncertain significance for Tuberous sclerosis syndrome. Last evaluated: 2023-02-24. Review status: criteria provided, single submitter. Criteria: ACMG Guidelines, 2015. Collection method: clinical testing. Allele origin: germline. Inheritance: Autosomal dominant inheritance. Observed: 1 variant allele, 1 heterozygote.
Comment: This missense variant replaces leucine with phenylalanine at codon 303 of the TSC2 protein. Computational prediction is inconclusive regarding the impact of this variant on protein structure and function (internally defined REVEL score threshold 0.5 < inconclusive < 0.7, PMID: 27666373). To our knowledge, functional studies have not been reported for this variant. This variant has not been reported in individuals affected with TSC2-related disorders in the literature. This variant has not been identified in the general population by the Genome Aggregation Database (gnomAD). The available evidence is insufficient to determine the role of this variant in disease conclusively. Therefore, this variant is classified as a Variant of Uncertain Significance.

This study involves interpretation of variants in research participants for the purpose of population health screening. Participant phenotype was not available at the time of variant classification. Additional details can be found in publication PMID: 35346344, PMCID: PMC8962531

NM_000548.5(TSC2):c.907C>T (p.Leu303Phe)

Gene: TSC2 (TSC complex subunit 2; plus strand). Cytogenetic location: 16p13.3.
Variant type: single nucleotide variant.
Coding change: c.907C>T on transcript NM_000548.5 (MANE Select); coding-DNA position 907, C replaced by T.
Protein change: p.Leu303Phe; replaces leucine 303 with phenylalanine.
Molecular consequence: missense variant.
Genome position (GRCh38, 1-based): chr16:2,058,805, C>T. VCF-style: chr16-2058805-C-T. GRCh37 (hg19) VCF-style: chr16-2108806-C-T.
Other names: c.907C>T, p.Leu303Phe (NM_001370405.1, NM_021055.3, NM_001077183.3 and 3 more transcripts); c.796C>T, p.Leu266Phe (NM_001318827.2); c.760C>T, p.Leu254Phe (NM_001318829.2); c.307C>T, p.Leu103Phe (NM_001318831.2); c.940C>T, p.Leu314Phe (NM_001318832.2); short protein forms L303F, L103F, L254F, L314F, L266F.
Identifiers: ClinVar variation 406080 (VCV000406080.15), dbSNP rs1060500943, ClinGen allele CA16614692.
Genomic context (GRCh38, chr16:2,058,805, plus strand): 5'-AGAGCCTACATGGAGGACGCGCCCCTGCTGAGAGGAGCCGTGTTTTTTGTGGGCATGGCT[C>T]TCTGGGGAGCCCACCGGCTCTATTCTCTCAGGAACTCGCCGACATCTGTGTTGCCATCAT-3'
Protein context (NP_000539.2, residues 293-313): RGAVFFVGMA[Leu303Phe]WGAHRLYSLR